The following is an entry in ClinVar:

NM_006031.6(PCNT):c.3857A>G (p.Gln1286Arg)

Gene: PCNT (pericentrin; plus strand). Cytogenetic location: 21q22.3.
Variant type: single nucleotide variant.
Coding change: c.3857A>G on transcript NM_006031.6 (MANE Select); coding-DNA position 3857, A replaced by G.
Protein change: p.Gln1286Arg; replaces glutamine 1286 with arginine.
Molecular consequence: missense variant.
Genome position (GRCh38, 1-based): chr21:46,390,686, A>G. VCF-style: chr21-46390686-A-G. GRCh37 (hg19) VCF-style: chr21-47810601-A-G.
Other names: c.3503A>G, p.Gln1168Arg (NM_001315529.2); short protein forms Q1168R, Q1286R.
Identifiers: ClinVar variation 1512486 (VCV001512486.8), dbSNP rs2086002722, ClinGen allele CA410576086.

ClinVar aggregate classification (germline): Uncertain significance (1 of 4 stars; one submission).

Allele frequency attached by ClinVar (database versions not stated): gnomAD exomes below 0.00001; TOPMed below 0.00001.
gnomAD v4.1: 1 of 1,614,180 alleles (0.000062%); highest among the groups gnomAD compares: African/African-American, 0.0013%; no homozygotes.

Submission:

Labcorp Genetics (formerly Invitae), Labcorp
Classification: Uncertain significance. Last evaluated: 2021-02-28. Review status: criteria provided, single submitter. Criteria: Invitae Variant Classification Sherloc (09022015). Collection method: clinical testing. Allele origin: germline.
Comment: This sequence change replaces glutamine with arginine at codon 1286 of the PCNT protein (p.Gln1286Arg). The glutamine residue is moderately conserved and there is a small physicochemical difference between glutamine and arginine. This variant is not present in population databases (ExAC no frequency). In summary, the available evidence is currently insufficient to determine the role of this variant in disease. Therefore, it has been classified as a Variant of Uncertain Significance. Algorithms developed to predict the effect of missense changes on protein structure and function (SIFT, PolyPhen-2, Align-GVGD) all suggest that this variant is likely to be tolerated, but these predictions have not been confirmed by published functional studies and their clinical significance is uncertain. This variant has not been reported in the literature in individuals with PCNT-related conditions.